The following is an entry in ClinVar:

ClinVar aggregate classification (germline): Uncertain significance. Review status: criteria provided, multiple submitters, no conflicts (2 of 4 stars). 2 submissions from 2 submitters: Uncertain significance (2). Last evaluated 2025-06-06.

Conditions:
Inborn genetic diseases. Identifiers: MedGen C0950123, MeSH D030342.

Allele frequency attached by ClinVar (database versions not stated): gnomAD 0.00001; TOPMed 0.00001; ExAC 0.00002; gnomAD exomes 0.00002.
gnomAD v4.1: 33 of 1,613,750 alleles (0.002%); highest among the groups gnomAD compares: South Asian, 0.0044%; no homozygotes.

Submissions (2):

Ambry Genetics
Classification: Uncertain significance for Inborn genetic diseases. Last evaluated: 2025-06-06. Review status: criteria provided, single submitter. Criteria: Ambry Variant Classification Scheme 2023. Collection method: clinical testing. Allele origin: germline.

Labcorp Genetics (formerly Invitae), Labcorp
Classification: Uncertain significance. Last evaluated: 2025-01-18. Review status: criteria provided, single submitter. Criteria: Invitae Variant Classification Sherloc (09022015). Collection method: clinical testing. Allele origin: germline.
Comment: This sequence change replaces arginine, which is basic and polar, with cysteine, which is neutral and slightly polar, at codon 1154 of the COL7A1 protein (p.Arg1154Cys). This variant is present in population databases (rs753090174, gnomAD 0.006%). This variant has not been reported in the literature in individuals affected with COL7A1-related conditions. ClinVar contains an entry for this variant (Variation ID: 2194046). Invitae Evidence Modeling of protein sequence and biophysical properties (such as structural, functional, and spatial information, amino acid conservation, physicochemical variation, residue mobility, and thermodynamic stability) has been performed for this missense variant. However, the output from this modeling did not meet the statistical confidence thresholds required to predict the impact of this variant on COL7A1 protein function. In summary, the available evidence is currently insufficient to determine the role of this variant in disease. Therefore, it has been classified as a Variant of Uncertain Significance.

NM_000094.4(COL7A1):c.3460C>T (p.Arg1154Cys)

Gene: COL7A1 (collagen type VII alpha 1 chain; minus strand). Cytogenetic location: 3p21.31.
Variant type: single nucleotide variant.
Coding change: c.3460C>T on transcript NM_000094.4 (MANE Select); coding-DNA position 3460, C replaced by T.
Protein change: p.Arg1154Cys; replaces arginine 1154 with cysteine.
Molecular consequence: missense variant.
Genome position (GRCh38, 1-based): chr3:48,586,422, G>A on the plus strand (C>T on the coding strand, the complement: COL7A1 is on the minus strand). VCF-style: chr3-48586422-G-A. GRCh37 (hg19) VCF-style: chr3-48623855-G-A.
Other names: short protein forms R1154C.
Identifiers: ClinVar variation 2194046 (VCV002194046.4), dbSNP rs753090174, ClinGen allele CA2380516.